The following is an entry in ClinVar:

NM_001130987.2(DYSF):c.3153G>T (p.Met1051Ile)

Gene: DYSF (dysferlin; plus strand). Cytogenetic location: 2p13.2.
Variant type: single nucleotide variant.
Coding change: c.3153G>T on transcript NM_001130987.2 (MANE Select); coding-DNA position 3153, G replaced by T.
Protein change: p.Met1051Ile; replaces methionine 1051 with isoleucine.
Molecular consequence: missense variant.
Genome position (GRCh38, 1-based): chr2:71,570,666, G>T. VCF-style: chr2-71570666-G-T. GRCh37 (hg19) VCF-style: chr2-71797796-G-T.
Other names: c.3102G>T, p.Met1034Ile (NM_001130455.2, NM_001130983.2); c.3057G>T, p.Met1019Ile (NM_001130976.2, NM_001130977.2); c.3099G>T, p.Met1033Ile (NM_001130978.2, NM_003494.4); c.3192G>T, p.Met1064Ile (NM_001130979.2); c.3150G>T, p.Met1050Ile (NM_001130980.2, NM_001130981.2); c.3195G>T, p.Met1065Ile (NM_001130982.2); c.3060G>T, p.Met1020Ile (NM_001130984.2, NM_001130986.2); c.3153G>T, p.Met1051Ile (NM_001130985.2); short protein forms M1033I, M1065I, M1051I, M1034I, M1019I, M1020I, M1050I, M1064I.
Identifiers: ClinVar variation 4705782 (VCV004705782.1).

ClinVar aggregate classification (germline): Uncertain significance (1 of 4 stars; one submission).

Conditions:
Neuromuscular disease caused by qualitative or quantitative defects of dysferlin. Also called: Dysferlinopathy; Qualitative or quantitative defects of dysferlin. Identifiers: Orphanet 207073, MedGen C2931687, MONDO:0016145.

Submission:

Labcorp Genetics (formerly Invitae), Labcorp
Classification: Uncertain significance for Neuromuscular disease caused by qualitative or quantitative defects of dysferlin. Last evaluated: 2025-11-05. Review status: criteria provided, single submitter. Criteria: Invitae Variant Classification Sherloc (09022015). Collection method: clinical testing. Allele origin: germline.
Comment: This sequence change replaces methionine, which is neutral and non-polar, with isoleucine, which is neutral and non-polar, at codon 1033 of the DYSF protein (p.Met1033Ile). This variant is not present in population databases (gnomAD no frequency). This variant has not been reported in the literature in individuals affected with DYSF-related conditions. Invitae Evidence Modeling of protein sequence and biophysical properties (such as structural, functional, and spatial information, amino acid conservation, physicochemical variation, residue mobility, and thermodynamic stability) indicates that this missense variant is not expected to disrupt DYSF protein function with a negative predictive value of 80%. In summary, the available evidence is currently insufficient to determine the role of this variant in disease. Therefore, it has been classified as a Variant of Uncertain Significance.